The following is an entry in ClinVar:

NM_015909.4(NBAS):c.952C>T (p.Gln318Ter)

Gene: NBAS (NBAS subunit of NRZ tethering complex; minus strand). Cytogenetic location: 2p24.3.
Variant type: single nucleotide variant.
Coding change: c.952C>T on transcript NM_015909.4 (MANE Select); coding-DNA position 952, C replaced by T.
Protein change: p.Gln318Ter; replaces glutamine 318 with a stop codon.
Molecular consequence: nonsense. On other transcripts: non-coding transcript variant (1).
Genome position (GRCh38, 1-based): chr2:15,504,147, G>A on the plus strand (C>T on the coding strand, the complement: NBAS is on the minus strand). VCF-style: chr2-15504147-G-A. GRCh37 (hg19) VCF-style: chr2-15644271-G-A.
Other names: short protein forms Q318*.
Identifiers: ClinVar variation 2716757 (VCV002716757.3), dbSNP rs1047332996, ClinGen allele CA42643093.

ClinVar aggregate classification (germline): Pathogenic (1 of 4 stars; one submission).

Submission:

Labcorp Genetics (formerly Invitae), Labcorp
Classification: Pathogenic. Last evaluated: 2023-06-15. Review status: criteria provided, single submitter. Criteria: Invitae Variant Classification Sherloc (09022015). Collection method: clinical testing. Allele origin: germline.
Comment: For these reasons, this variant has been classified as Pathogenic. This variant has not been reported in the literature in individuals affected with NBAS-related conditions. This variant is not present in population databases (gnomAD no frequency). This sequence change creates a premature translational stop signal (p.Gln318*) in the NBAS gene. It is expected to result in an absent or disrupted protein product. Loss-of-function variants in NBAS are known to be pathogenic (PMID: 26073778, 26541327, 27789416, 28031453).

Literature cited by the submitters: PubMed 26073778; PubMed 26541327; PubMed 27789416; PubMed 28031453.